The following is an entry in ClinVar:

NM_014491.4(FOXP2):c.343C>G (p.Pro115Ala)

Gene: FOXP2 (forkhead box P2; plus strand). Cytogenetic location: 7q31.1.
Variant type: single nucleotide variant.
Coding change: c.343C>G on transcript NM_014491.4 (MANE Select); coding-DNA position 343, C replaced by G.
Protein change: p.Pro115Ala; replaces proline 115 with alanine.
Molecular consequence: missense variant. On other transcripts: non-coding transcript variant (2).
Genome position (GRCh38, 1-based): chr7:114,628,624, C>G. VCF-style: chr7-114628624-C-G. GRCh37 (hg19) VCF-style: chr7-114268679-C-G.
Other names: c.343C>G, p.Pro115Ala (NM_001172766.3, NM_148899.3, NM_148900.4); c.418C>G, p.Pro140Ala (NM_001172767.2, NM_148898.4); c.-1058C>G (NM_001172777.1); short protein forms P115A, P140A.
Identifiers: ClinVar variation 2442784 (VCV002442784.1), dbSNP rs1191637371, ClinGen allele CA368961201.

ClinVar aggregate classification (germline): Uncertain significance (1 of 4 stars; one submission).

Submission:

GeneDx
Classification: Uncertain significance. Last evaluated: 2022-09-01. Review status: criteria provided, single submitter. Criteria: GeneDx Variant Classification Process June 2021. Collection method: clinical testing. Allele origin: germline. Affected: yes.
Comment: Not observed at significant frequency in large population cohorts (gnomAD); In silico analysis supports that this missense variant has a deleterious effect on protein structure/function; Has not been previously published as pathogenic or benign to our knowledge